The following is an entry in ClinVar:

ClinVar aggregate classification (germline): Uncertain significance. Review status: criteria provided, multiple submitters, no conflicts (2 of 4 stars). 2 submissions from 2 submitters: Uncertain significance (2). Last evaluated 2025-08-18.

Conditions:
Hereditary cancer-predisposing syndrome. Also called: Tumor predisposition; Hereditary Cancer Syndrome; Hereditary neoplastic syndrome; Neoplastic Syndromes, Hereditary. Identifiers: Orphanet 140162, MedGen C0027672, MeSH D009386, MONDO:0015356.
Neurofibromatosis, type 2 (SWNV). Also called: BILATERAL ACOUSTIC NEUROFIBROMATOSIS; SCHWANNOMATOSIS, VESTIBULAR; NF2-Related Schwannomatosis. Identifiers: Orphanet 637, MedGen C0027832, MONDO:0007039, OMIM 101000. Disease mechanism: loss of function.

gnomAD v4.1: 7 of 1,614,130 alleles (0.00043%); highest among the groups gnomAD compares: Non-Finnish European, 0.00059%; no homozygotes.

Submissions (2):

Labcorp Genetics (formerly Invitae), Labcorp
Classification: Uncertain significance for Neurofibromatosis, type 2. Last evaluated: 2025-08-18. Review status: criteria provided, single submitter. Criteria: Invitae Variant Classification Sherloc (09022015). Collection method: clinical testing. Allele origin: germline.
Comment: This sequence change replaces histidine, which is basic and polar, with arginine, which is basic and polar, at codon 574 of the NF2 protein (p.His574Arg). This variant is not present in population databases (gnomAD no frequency). This variant has not been reported in the literature in individuals affected with NF2-related conditions. ClinVar contains an entry for this variant (Variation ID: 819908). Invitae Evidence Modeling of protein sequence and biophysical properties (such as structural, functional, and spatial information, amino acid conservation, physicochemical variation, residue mobility, and thermodynamic stability) indicates that this missense variant is not expected to disrupt NF2 protein function with a negative predictive value of 80%. In summary, the available evidence is currently insufficient to determine the role of this variant in disease. Therefore, it has been classified as a Variant of Uncertain Significance.

Ambry Genetics
Classification: Uncertain significance for Hereditary cancer-predisposing syndrome. Last evaluated: 2024-04-10. Review status: criteria provided, single submitter. Criteria: Ambry Variant Classification Scheme 2023. Collection method: clinical testing. Allele origin: germline.
Comment: The p.H574R variant (also known as c.1721A>G), located in coding exon 15 of the NF2 gene, results from an A to G substitution at nucleotide position 1721. The histidine at codon 574 is replaced by arginine, an amino acid with highly similar properties. This amino acid position is well conserved in available vertebrate species. In addition, the in silico prediction for this alteration is inconclusive. Since supporting evidence is limited at this time, the clinical significance of this alteration remains unclear.

NM_000268.4(NF2):c.1721A>G (p.His574Arg)

Gene: NF2 (NF2, moesin-ezrin-radixin like (MERLIN) tumor suppressor; plus strand). Cytogenetic location: 22q12.2.
Variant type: single nucleotide variant.
Coding change: c.1721A>G on transcript NM_000268.4 (MANE Select); coding-DNA position 1721, A replaced by G.
Protein change: p.His574Arg; replaces histidine 574 with arginine.
Molecular consequence: missense variant. On other transcripts: non-coding transcript variant (1), intron variant (1).
Genome position (GRCh38, 1-based): chr22:29,681,585, A>G. VCF-style: chr22-29681585-A-G. GRCh37 (hg19) VCF-style: chr22-30077574-A-G.
Other names: c.1721A>G, p.His574Arg (NM_016418.5, NM_181825.3, NM_181832.3); c.1595A>G, p.His532Arg (NM_181828.3); c.1598A>G, p.His533Arg (NM_181829.3); c.1472A>G, p.His491Arg (NM_181830.3, NM_181831.3); c.448-13167A>G (NM_181833.3); short protein forms H533R, H491R, H532R, H574R.
Identifiers: ClinVar variation 819908 (VCV000819908.13), dbSNP rs1601666509, ClinGen allele CA411150500.